The following is an entry in ClinVar:

ClinVar aggregate classification (germline): Uncertain significance. Review status: criteria provided, multiple submitters, no conflicts (2 of 4 stars). 2 submissions from 2 submitters: Uncertain significance (2). Last evaluated 2024-11-24.

Conditions:
Inborn genetic diseases. Identifiers: MedGen C0950123, MeSH D030342.
Holocarboxylase synthetase deficiency. Also called: MULTIPLE CARBOXYLASE DEFICIENCY, EARLY ONSET. Identifiers: Orphanet 79242, MedGen C0268581, MONDO:0009666, OMIM 253270.

Allele frequency attached by ClinVar (database versions not stated): gnomAD exomes below 0.00001; gnomAD 0.00001.
gnomAD v4.1: 2 of 1,613,792 alleles (0.00012%); highest among the groups gnomAD compares: African/African-American, 0.0013%; no homozygotes.

Submissions (2):

Ambry Genetics
Classification: Uncertain significance for Inborn genetic diseases. Last evaluated: 2024-11-24. Review status: criteria provided, single submitter. Criteria: Ambry Variant Classification Scheme 2023. Collection method: clinical testing. Allele origin: germline.

Labcorp Genetics (formerly Invitae), Labcorp
Classification: Uncertain significance for Holocarboxylase synthetase deficiency. Last evaluated: 2022-08-09. Review status: criteria provided, single submitter. Criteria: Invitae Variant Classification Sherloc (09022015). Collection method: clinical testing. Allele origin: germline.
Comment: This sequence change replaces serine, which is neutral and polar, with phenylalanine, which is neutral and non-polar, at codon 685 of the HLCS protein (p.Ser685Phe). This variant is not present in population databases (gnomAD no frequency). This variant has not been reported in the literature in individuals affected with HLCS-related conditions. Advanced modeling of protein sequence and biophysical properties (such as structural, functional, and spatial information, amino acid conservation, physicochemical variation, residue mobility, and thermodynamic stability) performed at Invitae indicates that this missense variant is not expected to disrupt HLCS protein function. In summary, the available evidence is currently insufficient to determine the role of this variant in disease. Therefore, it has been classified as a Variant of Uncertain Significance.

NM_001352514.2(HLCS):c.2495C>T (p.Ser832Phe)

Gene: HLCS (holocarboxylase synthetase; minus strand). Cytogenetic location: 21q22.13.
Variant type: single nucleotide variant.
Coding change: c.2495C>T on transcript NM_001352514.2 (MANE Select); coding-DNA position 2495, C replaced by T.
Protein change: p.Ser832Phe; replaces serine 832 with phenylalanine.
Molecular consequence: missense variant. On other transcripts: non-coding transcript variant (2).
Genome position (GRCh38, 1-based): chr21:36,754,373, G>A on the plus strand (C>T on the coding strand, the complement: HLCS is on the minus strand). VCF-style: chr21-36754373-G-A. GRCh37 (hg19) VCF-style: chr21-38126674-G-A.
Other names: c.2054C>T, p.Ser685Phe (NM_000411.8, NM_001242784.3, NM_001242785.2 and 4 more transcripts); c.2054C>T (NM_000411.6); short protein forms S685F, S832F.
Identifiers: ClinVar variation 2101005 (VCV002101005.2), dbSNP rs1178458399, ClinGen allele CA409918250.